The following is an entry in ClinVar:

NM_001038.6(SCNN1A):c.559C>G (p.Pro187Ala)

Gene: SCNN1A (sodium channel epithelial 1 subunit alpha; minus strand). Cytogenetic location: 12p13.31.
Variant type: single nucleotide variant.
Coding change: c.559C>G on transcript NM_001038.6 (MANE Select); coding-DNA position 559, C replaced by G.
Protein change: p.Pro187Ala; replaces proline 187 with alanine.
Molecular consequence: missense variant.
Genome position (GRCh38, 1-based): chr12:6,363,568, G>C on the plus strand (C>G on the coding strand, the complement: SCNN1A is on the minus strand). VCF-style: chr12-6363568-G-C. GRCh37 (hg19) VCF-style: chr12-6472734-G-C.
Other names: c.628C>G, p.Pro210Ala (NM_001159575.2); c.736C>G, p.Pro246Ala (NM_001159576.2); short protein forms P187A, P210A, P246A.
Identifiers: ClinVar variation 3575131 (VCV003575131.3).

ClinVar aggregate classification (germline): Uncertain significance. Review status: criteria provided, multiple submitters, no conflicts (2 of 4 stars). 2 submissions from 2 submitters: Uncertain significance (2). Last evaluated 2024-08-01.

Conditions:
Liddle syndrome 3. Identifiers: MedGen C4748292, MONDO:0029132, OMIM 618126.
Pseudohypoaldosteronism, type IB1, autosomal recessive. Also called: Pseudohypoaldosteronism, Type I, Recessive; Autosomal recessive pseudohypoaldosteronism type 1; Pseudohypoaldosteronism, Type I, Autosomal Recessive; PHA I, AUTOSOMAL RECESSIVE. Identifiers: Orphanet 171876, Orphanet 756, MedGen C5774176, MONDO:0009917, OMIM 264350.
Bronchiectasis with or without elevated sweat chloride 2 (BESC2). Identifiers: Orphanet 60033, MedGen C2751666, MONDO:0013087, OMIM 613021.

Submissions (2):

Labcorp Genetics (formerly Invitae), Labcorp
Classification: Uncertain significance. Last evaluated: 2024-08-01. Review status: criteria provided, single submitter. Criteria: Invitae Variant Classification Sherloc (09022015). Collection method: clinical testing. Allele origin: germline.
Comment: This sequence change replaces proline, which is neutral and non-polar, with alanine, which is neutral and non-polar, at codon 187 of the SCNN1A protein (p.Pro187Ala). This variant is not present in population databases (gnomAD no frequency). This variant has not been reported in the literature in individuals affected with SCNN1A-related conditions. Advanced modeling of protein sequence and biophysical properties (such as structural, functional, and spatial information, amino acid conservation, physicochemical variation, residue mobility, and thermodynamic stability) performed at Invitae indicates that this missense variant is not expected to disrupt SCNN1A protein function with a negative predictive value of 80%. In summary, the available evidence is currently insufficient to determine the role of this variant in disease. Therefore, it has been classified as a Variant of Uncertain Significance.

Fulgent Genetics
Classification: Uncertain significance for Pseudohypoaldosteronism, type IB1, autosomal recessive; Bronchiectasis with or without elevated sweat chloride 2; Liddle syndrome 3. Last evaluated: 2024-01-23. Review status: criteria provided, single submitter. Criteria: ACMG Guidelines, 2015. Collection method: clinical testing. Allele origin: germline.